The following is an entry in ClinVar:

ClinVar aggregate classification (germline): Uncertain significance (1 of 4 stars; one submission).

gnomAD v4.1: 2 of 1,604,656 alleles (0.00012%); highest among the groups gnomAD compares: African/African-American, 0.0013%; no homozygotes.

Submission:

Labcorp Genetics (formerly Invitae), Labcorp
Classification: Uncertain significance. Last evaluated: 2023-09-13. Review status: criteria provided, single submitter. Criteria: Invitae Variant Classification Sherloc (09022015). Collection method: clinical testing. Allele origin: germline.
Comment: This sequence change replaces serine, which is neutral and polar, with cysteine, which is neutral and slightly polar, at codon 151 of the EXOC8 protein (p.Ser151Cys). This variant is not present in population databases (gnomAD no frequency). This variant has not been reported in the literature in individuals affected with EXOC8-related conditions. An algorithm developed to predict the effect of missense changes on protein structure and function (PolyPhen-2) suggests that this variant¬†is likely to be tolerated. In summary, the available evidence is currently insufficient to determine the role of this variant in disease. Therefore, it has been classified as a Variant of Uncertain Significance.

NM_175876.5(EXOC8):c.452C>G (p.Ser151Cys)

Gene: EXOC8 (exocyst complex component 8; minus strand). Cytogenetic location: 1q42.2.
Variant type: single nucleotide variant.
Coding change: c.452C>G on transcript NM_175876.5 (MANE Select); coding-DNA position 452, C replaced by G.
Protein change: p.Ser151Cys; replaces serine 151 with cysteine.
Molecular consequence: missense variant.
Genome position (GRCh38, 1-based): chr1:231,337,294, G>C on the plus strand (C>G on the coding strand, the complement: EXOC8 is on the minus strand). VCF-style: chr1-231337294-G-C. GRCh37 (hg19) VCF-style: chr1-231473040-G-C.
Other names: short protein forms S151C.
Identifiers: ClinVar variation 2977796 (VCV002977796.1), dbSNP rs780109758, ClinGen allele CA345245172.
Genomic context (GRCh38, chr1:231,337,294, plus strand): 5'-CCTTCCACCTTCTCAAGCAGGGTGGTGAGAGTGCGCTGCTTTCCTTCCTCGCCTGGACCG[G>C]AGCCGTCGCGGGAGGCACCCCCGGGGGTGGAGAAAAAGCCGGCCTGGCCTCGGAGGTGGT-3'
Protein context (NP_787072.2, residues 141-161): STPGGASRDG[Ser151Cys]GPGEEGKQRT